The following is an entry in ClinVar:

NM_206943.4(LTBP1):c.2503C>A (p.His835Asn)

Gene: LTBP1 (latent transforming growth factor beta binding protein 1; plus strand). Cytogenetic location: 2p22.3.
Variant type: single nucleotide variant.
Coding change: c.2503C>A on transcript NM_206943.4 (MANE Select); coding-DNA position 2503, C replaced by A.
Protein change: p.His835Asn; replaces histidine 835 with asparagine.
Molecular consequence: missense variant.
Genome position (GRCh38, 1-based): chr2:33,262,806, C>A. VCF-style: chr2-33262806-C-A. GRCh37 (hg19) VCF-style: chr2-33487873-C-A.
Other names: c.1525C>A, p.His509Asn (NM_000627.4, NM_001166264.2, NM_001394906.1 and 8 more transcripts); c.1366C>A, p.His456Asn (NM_001166265.2, NM_001166266.2, NM_001394920.1 and 7 more transcripts); c.2344C>A, p.His782Asn (NM_001394905.1); c.1441C>A, p.His481Asn (NM_001394907.1, NM_001394914.1, NM_001394915.1); c.1282C>A, p.His428Asn (NM_001394916.1); short protein forms H428N, H456N, H481N, H509N, H782N, H835N.
Identifiers: ClinVar variation 2650819 (VCV002650819.24), dbSNP rs77938757, ClinGen allele CA1607416.

ClinVar aggregate classification (germline): Likely benign (1 of 4 stars; one submission).

Allele frequency attached by ClinVar (database versions not stated): ExAC 0.00167; 1000 Genomes Project 0.00220; gnomAD 0.00226; ESP Exome Variant Server 0.00246; 1000 Genomes Project 30x 0.00265; TOPMed 0.00278.
gnomAD v4.1: 5,193 of 1,606,488 alleles (0.32%); highest among the groups gnomAD compares: Non-Finnish European, 0.4%; 18 homozygotes.

Submission:

CeGaT Center for Human Genetics Tuebingen
Classification: Likely benign. Last evaluated: 2026-09-01. Review status: criteria provided, single submitter. Criteria: CeGaT Center For Human Genetics Tuebingen Variant Classification Criteria Version 2. Collection method: clinical testing. Allele origin: germline. Affected: yes. Observed: 5 variant alleles.
Comment: LTBP1: BP4, BS2